The following is an entry in ClinVar:

ClinVar aggregate classification (germline): Uncertain significance. Review status: criteria provided, multiple submitters, no conflicts (2 of 4 stars). 4 submissions from 4 submitters: Uncertain significance (4). Last evaluated 2024-03-27.

Conditions:
Inborn genetic diseases. Identifiers: MedGen C0950123, MeSH D030342.
Developmental and epileptic encephalopathy, 25 (DEE25). Also called: Developmental and epileptic encephalopathy 25, with amelogenesis imperfecta; Epileptic encephalopathy, early infantile, 25, with amelogenesis imperfecta; Epileptic encephalopathy, early infantile, 25. Identifiers: Orphanet 442835, MedGen C4014621, MONDO:0014392, OMIM 615905.

Allele frequency attached by ClinVar (database versions not stated): gnomAD 0.00001; TOPMed 0.00002; ExAC 0.00003.
gnomAD v4.1: 67 of 1,613,250 alleles (0.0042%); highest among the groups gnomAD compares: East Asian, 0.011%; no homozygotes.

Submissions (4):

Blueprint Genetics
Classification: Uncertain significance. Last evaluated: 2024-03-27. Review status: criteria provided, single submitter. Criteria: ACMG Guidelines, 2015. Collection method: clinical testing. Allele origin: germline.

Labcorp Genetics (formerly Invitae), Labcorp
Classification: Uncertain significance for Developmental and epileptic encephalopathy, 25. Last evaluated: 2023-11-27. Review status: criteria provided, single submitter. Criteria: Invitae Variant Classification Sherloc (09022015). Collection method: clinical testing. Allele origin: germline.
Comment: This sequence change replaces arginine, which is basic and polar, with tryptophan, which is neutral and slightly polar, at codon 123 of the SLC13A5 protein (p.Arg123Trp). This variant is present in population databases (rs754937425, gnomAD 0.02%). This variant has not been reported in the literature in individuals affected with SLC13A5-related conditions. ClinVar contains an entry for this variant (Variation ID: 541969). An algorithm developed to predict the effect of missense changes on protein structure and function (PolyPhen-2) suggests that this variant¬†is likely to be tolerated. In summary, the available evidence is currently insufficient to determine the role of this variant in disease. Therefore, it has been classified as a Variant of Uncertain Significance.

Genome-Nilou Lab
Classification: Uncertain significance for Developmental and epileptic encephalopathy, 25. Last evaluated: 2021-07-15. Review status: criteria provided, single submitter. Criteria: ACMG Guidelines, 2015. Collection method: clinical testing. Allele origin: germline. Affected: no.

Ambry Genetics
Classification: Uncertain significance for Inborn genetic diseases. Last evaluated: 2017-04-18. Review status: criteria provided, single submitter. Criteria: Ambry Variant Classification Scheme 2023. Collection method: clinical testing. Allele origin: germline.
Comment: The p.R123W variant (also known as c.367C>T), located in coding exon 3 of the SLC13A5 gene, results from a C to T substitution at nucleotide position 367. The arginine at codon 123 is replaced by tryptophan, an amino acid with dissimilar properties. This amino acid position is not well conserved in available vertebrate species. In addition, this alteration is predicted to be tolerated by in silico analysis. Since supporting evidence is limited at this time, the clinical significance of this alteration remains unclear.

NM_177550.5(SLC13A5):c.367C>T (p.Arg123Trp)

Gene: SLC13A5 (solute carrier family 13 member 5; minus strand). Cytogenetic location: 17p13.1.
Variant type: single nucleotide variant.
Coding change: c.367C>T on transcript NM_177550.5 (MANE Select); coding-DNA position 367, C replaced by T.
Protein change: p.Arg123Trp; replaces arginine 123 with tryptophan.
Molecular consequence: missense variant.
Genome position (GRCh38, 1-based): chr17:6,706,643, G>A on the plus strand (C>T on the coding strand, the complement: SLC13A5 is on the minus strand). VCF-style: chr17-6706643-G-A. GRCh37 (hg19) VCF-style: chr17-6609962-G-A.
Other names: c.367C>T, p.Arg123Trp (NM_001143838.3); c.367C>T, p.Arg123Cys (NM_001284509.2); c.238C>T, p.Arg80Trp (NM_001284510.2); short protein forms R123W, R80W, R123C.
Identifiers: ClinVar variation 541969 (VCV000541969.17), dbSNP rs754937425, ClinGen allele CA8331765.